The following is an entry in ClinVar:

NM_000719.7(CACNA1C):c.5201G>A (p.Gly1734Asp)

Genes: CACNA1C (calcium voltage-gated channel subunit alpha1 C; plus strand), CACNA1C-AS1 (CACNA1C antisense RNA 1; minus strand). Cytogenetic location: 12p13.33.
Variant type: single nucleotide variant.
Coding change: c.5201G>A on transcript NM_000719.7 (MANE Select); coding-DNA position 5201, G replaced by A.
Protein change: p.Gly1734Asp; replaces glycine 1734 with aspartic acid.
Molecular consequence: missense variant.
Genome position (GRCh38, 1-based): chr12:2,679,553, G>A. VCF-style: chr12-2679553-G-A. GRCh37 (hg19) VCF-style: chr12-2788719-G-A.
Other names: c.5345G>A, p.Gly1782Asp (NM_001129827.2, NM_199460.4); c.5324G>A, p.Gly1775Asp (NM_001129829.2); c.5201G>A, p.Gly1734Asp (NM_001129840.2, NM_001129841.2, NM_001129842.2 and 4 more transcripts); c.5192G>A, p.Gly1731Asp (NM_001129844.2); c.5168G>A, p.Gly1723Asp (NM_001129846.2, NM_001167625.2); c.5285G>A, p.Gly1762Asp (NM_001129831.2); c.5261G>A, p.Gly1754Asp (NM_001129832.2); c.5258G>A, p.Gly1753Asp (NM_001129833.2, NM_001129834.2, NM_001129835.2); and 3 more; short protein forms G1723D, G1731D, G1734D, G1740D, G1742D, G1751D, G1753D, G1754D.
Identifiers: ClinVar variation 4813598 (VCV004813598.1).
Genomic context (GRCh38, chr12:2,679,553, plus strand): 5'-GCCGGAGCGCCTTCCCCCAGACCTTCACCACTCAGCGCCCGCTGCACATCAACAAGGCGG[G>A]CAGCAGCCAGGGCGACACTGAGTCGCCATCCCACGAGAAGCTGGTGGACTCCACCTTCAC-3'
Protein context (NP_000710.5, residues 1724-1744): TQRPLHINKA[Gly1734Asp]SSQGDTESPS

ClinVar aggregate classification (germline): Uncertain significance (1 of 4 stars; one submission).

Conditions:
Developmental and epileptic encephalopathy, 42 (DEE42A). Also called: Epileptic encephalopathy, early infantile, 42; DEVELOPMENTAL AND EPILEPTIC ENCEPHALOPATHY 42A; EPILEPTIC ENCEPHALOPATHY, EARLY INFANTILE, 42A. Identifiers: MedGen C4310716, MONDO:0014917, OMIM 617106.

Submission:

Mendelics
Classification: Uncertain significance for Developmental and epileptic encephalopathy, 42. Last evaluated: 2026-03-05. Review status: criteria provided, single submitter. Criteria: ACMG Guidelines, 2015. Collection method: clinical testing. Allele origin: unknown.
Comment: The available evidence is insufficient to conclusively determine the role of this variant. Therefore, it is classified as a Variant of Uncertain Significance.